The following is an entry in ClinVar:

NR_002196.3(H19):n.1537G>T

Genes: H19 (H19 imprinted maternally expressed transcript; minus strand), HOTS (H19 opposite tumor suppressor; plus strand), MRPL23 (mitochondrial ribosomal protein L23; plus strand). Cytogenetic location: 11p15.5.
Variant type: single nucleotide variant.
Molecular consequence: non-coding transcript variant (on NR_002196.3). On other transcripts: intron variant (1).
Genome position: GRCh38 VCF-style: chr11-1996115-C-A. GRCh37 (hg19) VCF-style: chr11-2017345-C-A.
Other names: c.498-15426C>A (NM_001400176.1).
Identifiers: ClinVar variation 3058490 (VCV003058490.2), dbSNP rs578029526, ClinGen allele CA5817319.

ClinVar aggregate classification (germline): Likely benign (0 of 4 stars; one submission).

Conditions:
H19-related disorder. Also called: H19-related condition.

Allele frequency attached by ClinVar (database versions not stated): ExAC 0.00004; 1000 Genomes Project 0.00020.

Submission:

PreventionGenetics, part of Exact Sciences
Classification: Likely benign for H19-related condition. Last evaluated: 2019-03-21. Review status: no assertion criteria provided. Collection method: clinical testing. Allele origin: germline.
Comment: This variant is classified as likely benign based on ACMG/AMP sequence variant interpretation guidelines (Richards et al. 2015 PMID: 25741868, with internal and published modifications).